The following is an entry in ClinVar:

ClinVar aggregate classification (germline): Benign. Review status: criteria provided, multiple submitters, no conflicts (2 of 4 stars). 2 submissions from 2 submitters: Benign (2). Last evaluated 2018-06-14.

Allele frequency attached by ClinVar (database versions not stated): 1000 Genomes Project 0.11262; 1000 Genomes Project 30x 0.11665; TOPMed 0.18624; gnomAD 0.19415 and 0.19845; ESP Exome Variant Server 0.21091; gnomAD exomes 0.24545.
gnomAD v4.1: 379,870 of 1,584,162 alleles (24%); highest among the groups gnomAD compares: Non-Finnish European, 28%; 49,965 homozygotes.

Submissions (2):

GeneDx
Classification: Benign. Last evaluated: 2018-06-14. Review status: criteria provided, single submitter. Criteria: GeneDx Variant Classification (06012015). Collection method: clinical testing. Allele origin: germline. Affected: yes.
Comment: This variant is considered likely benign or benign based on one or more of the following criteria: it is a conservative change, it occurs at a poorly conserved position in the protein, it is predicted to be benign by multiple in silico algorithms, and/or has population frequency not consistent with disease.

Breakthrough Genomics
Classification: Benign. Review status: criteria provided, single submitter. Criteria: ACMG Guidelines, 2015. Collection method: not provided. Allele origin: germline. Inheritance: Autosomal recessive inheritance. Affected: yes.

NM_020247.5(COQ8A):c.1507-59C>T

Gene: COQ8A (coenzyme Q8A; plus strand). Cytogenetic location: 1q42.13.
Variant type: single nucleotide variant.
Coding change: c.1507-59C>T on transcript NM_020247.5 (MANE Select); 59 bases into the intron before coding-DNA position 1507, C replaced by T.
Molecular consequence: intron variant.
Genome position (GRCh38, 1-based): chr1:226,984,817, C>T. VCF-style: chr1-226984817-C-T. GRCh37 (hg19) VCF-style: chr1-227172518-C-T.
Identifiers: ClinVar variation 671533 (VCV000671533.2), dbSNP rs1317490, ClinGen allele CA10825049.